The following is an entry in ClinVar:

ClinVar aggregate classification (germline): Likely pathogenic. Review status: criteria provided, multiple submitters, no conflicts (2 of 4 stars). 2 submissions from 2 submitters: Likely pathogenic (2). Last evaluated 2024-02-18.

Conditions:
Hypotrichosis 14. Identifiers: MedGen C4748930, MONDO:0032649, OMIM 618275.
Alopecia-intellectual disability syndrome 4. Also called: ALOPECIA-MENTAL RETARDATION SYNDROME 4. Identifiers: MedGen C5394241, MONDO:0030009, OMIM 618840.
Cataract 44 (CTRCT44). Also called: CATARACT 44 AND HYPOTRICHOSIS. Identifiers: Orphanet 91492, Orphanet 98994, MedGen C4225300, MONDO:0014673, OMIM 616509.

gnomAD v4.1: 5 of 1,612,156 alleles (0.00031%); highest among the groups gnomAD compares: Non-Finnish European, 0.00042%; no homozygotes.

Submissions (2):

Labcorp Genetics (formerly Invitae), Labcorp
Classification: Likely pathogenic. Last evaluated: 2024-02-18. Review status: criteria provided, single submitter. Criteria: Invitae Variant Classification Sherloc (09022015). Collection method: clinical testing. Allele origin: germline.
Comment: This sequence change affects an acceptor splice site in intron 20 of the LSS gene. It is expected to disrupt RNA splicing. Variants that disrupt the donor or acceptor splice site typically lead to a loss of protein function (PMID: 16199547), and loss-of-function variants in LSS are known to be pathogenic (PMID: 30723320). This variant is not present in population databases (gnomAD no frequency). This variant has not been reported in the literature in individuals affected with LSS-related conditions. Algorithms developed to predict the effect of sequence changes on RNA splicing suggest that this variant may disrupt the consensus splice site. In summary, the currently available evidence indicates that the variant is pathogenic, but additional data are needed to prove that conclusively. Therefore, this variant has been classified as Likely Pathogenic.

Juno Genomics, Hangzhou Juno Genomics, Inc
Classification: Likely pathogenic for Alopecia-intellectual disability syndrome 4; Cataract 44; Hypotrichosis 14. Review status: criteria provided, single submitter. Criteria: ACMG Guidelines, 2015. Collection method: clinical testing. Allele origin: germline.
Comment: Absent from controls (or at extremely low frequency if recessive) in Genome Aggregation Database.;Null variant in a gene where loss of function (LOF) is a known mechanism of disease.

Literature cited by the submitters: PubMed 16199547 (cited by Labcorp Genetics (formerly Invitae), Labcorp); PubMed 30723320 (cited by Labcorp Genetics (formerly Invitae), Labcorp).

NM_002340.6(LSS):c.1989-1G>A

Gene: LSS (lanosterol synthase; minus strand). Cytogenetic location: 21q22.3.
Variant type: single nucleotide variant.
Coding change: c.1989-1G>A on transcript NM_002340.6 (MANE Select); the canonical splice acceptor site of the intron before coding-DNA position 1989, G replaced by A.
Molecular consequence: splice acceptor variant.
Genome position (GRCh38, 1-based): chr21:46,191,960, C>T on the plus strand (G>A on the coding strand, the complement: LSS is on the minus strand). VCF-style: chr21-46191960-C-T. GRCh37 (hg19) VCF-style: chr21-47611874-C-T.
Other names: c.1956-1G>A (NM_001145436.2); c.1989-1G>A (NM_001001438.3); c.1749-1G>A (NM_001145437.2).
Identifiers: ClinVar variation 3681234 (VCV003681234.4).
Genomic context (GRCh38, chr21:46,191,960, plus strand): 5'-GGGAGCTGTTTCTCAAGTAGACACCGGACTCCTCTCTCCTGGGCCTCGATGTCAGGATGC[C>T]TGGTGGAAGAGAAGGCTGAAACACACCCAGCATGCATGCCCCCACAGCATCATCCTCACC-3'